The following is an entry in ClinVar:

NM_001164665.2(KIAA1549):c.1886C>A (p.Thr629Lys)

Gene: KIAA1549 (KIAA1549; minus strand). Cytogenetic location: 7q34.
Variant type: single nucleotide variant.
Coding change: c.1886C>A on transcript NM_001164665.2 (MANE Select); coding-DNA position 1886, C replaced by A.
Protein change: p.Thr629Lys; replaces threonine 629 with lysine.
Molecular consequence: missense variant.
Genome position (GRCh38, 1-based): chr7:138,917,740, G>T on the plus strand (C>A on the coding strand, the complement: KIAA1549 is on the minus strand). VCF-style: chr7-138917740-G-T. GRCh37 (hg19) VCF-style: chr7-138602486-G-T.
Other names: c.1886C>A, p.Thr629Lys (NM_020910.3); short protein forms T629K.
Identifiers: ClinVar variation 1944193 (VCV001944193.5), dbSNP rs779141836, ClinGen allele CA4506613.
Genomic context (GRCh38, chr7:138,917,740, plus strand): 5'-GACAGAGACGCAGGTGCTTCCGAAGGCGAAGAGATGGAGCCGCTGAGTTCCAGCGGGGGT[G>T]TTGAGAAAAAGCTGGATGCAAAATCCAAAGCACCTCTGGGTTTATGCTCAGAAAAACTGG-3'
Protein context (NP_001158137.1, residues 619-639): ALDFASSFFS[Thr629Lys]PPLELSGSIS

ClinVar aggregate classification (germline): Uncertain significance (1 of 4 stars; one submission).

Allele frequency attached by ClinVar (database versions not stated): gnomAD exomes below 0.00001; TOPMed 0.00001.
gnomAD v4.1: 1 of 1,587,378 alleles (0.000063%); highest among the groups gnomAD compares: Admixed American, 0.0018%; no homozygotes.

Submission:

Labcorp Genetics (formerly Invitae), Labcorp
Classification: Uncertain significance. Last evaluated: 2022-05-14. Review status: criteria provided, single submitter. Criteria: Invitae Variant Classification Sherloc (09022015). Collection method: clinical testing. Allele origin: germline.
Comment: This sequence change replaces threonine, which is neutral and polar, with lysine, which is basic and polar, at codon 629 of the KIAA1549 protein (p.Thr629Lys). This variant is present in population databases (rs779141836, gnomAD 0.004%). This variant has not been reported in the literature in individuals affected with KIAA1549-related conditions. Algorithms developed to predict the effect of missense changes on protein structure and function are either unavailable or do not agree on the potential impact of this missense change (SIFT: "Deleterious"; PolyPhen-2: "Possibly Damaging"; Align-GVGD: "Class C0"). In summary, the available evidence is currently insufficient to determine the role of this variant in disease. Therefore, it has been classified as a Variant of Uncertain Significance.